The following is an entry in ClinVar:

ClinVar aggregate classification (germline): Pathogenic (1 of 4 stars; one submission).

Conditions:
Greig cephalopolysyndactyly syndrome (GCPS). Also called: POLYSYNDACTYLY WITH PECULIAR SKULL SHAPE; GLI3-Related Greig Cephalopolysyndactyly Syndrome; Greig syndrome. Identifiers: Orphanet 380, MedGen C0265306, MONDO:0008287, OMIM 175700.
Pallister-Hall syndrome (PHS). Also called: GLI3-Related Pallister-Hall Syndrome; HYPOTHALAMIC HAMARTOBLASTOMA, HYPOPITUITARISM, IMPERFORATE ANUS, AND POSTAXIAL POLYDACTYLY. Identifiers: Orphanet 672, MedGen C0265220, MONDO:0007804, OMIM 146510.

Submission:

Labcorp Genetics (formerly Invitae), Labcorp
Classification: Pathogenic for Pallister-Hall syndrome; Greig cephalopolysyndactyly syndrome. Last evaluated: 2017-08-29. Review status: criteria provided, single submitter. Criteria: Invitae Variant Classification Sherloc (09022015). Collection method: clinical testing. Allele origin: germline.
Comment: This variant has been reported in an individual affected with Pallister-Hall syndrome (PMID: 27231705). A different variant, c.3324C>A, which results in the same premature translational stop signal (p.Tyr1108*), has also been reported in an individual affected with Pallister-Hall syndrome (PMID: 15739154) This variant is not present in population databases (ExAC no frequency). This sequence change results in a premature translational stop signal in the GLI3 gene (p.Tyr1108*). While this is not anticipated to result in nonsense mediated decay, it is expected to delete the last 473 amino acids of the GLI3 protein. Algorithms developed to predict the effect of sequence changes on RNA splicing suggest that this variant may create or strengthen a splice site, but this prediction has not been confirmed by published transcriptional studies. For these reasons, this variant has been classified as Pathogenic. A different truncation downstream of this variant (p.Thr1488Lysfs*23) has been determined to be pathogenic (PMID: 24736735). This suggests that deletion of this region of the GLI3 protein is causative of disease.

Literature cited by the submitters: PubMed 27231705; PubMed 15739154; PubMed 24736735.

NM_000168.6(GLI3):c.3324C>A (p.Tyr1108Ter)

Gene: GLI3 (GLI family zinc finger 3; minus strand). Cytogenetic location: 7p14.1.
Variant type: single nucleotide variant.
Coding change: c.3324C>A on transcript NM_000168.6 (MANE Select); coding-DNA position 3324, C replaced by A.
Protein change: p.Tyr1108Ter; replaces tyrosine 1108 with a stop codon.
Molecular consequence: nonsense.
Genome position (GRCh38, 1-based): chr7:41,965,749, G>T on the plus strand (C>A on the coding strand, the complement: GLI3 is on the minus strand). VCF-style: chr7-41965749-G-T. GRCh37 (hg19) VCF-style: chr7-42005347-G-T.
Other names: short protein forms Y1108*.
Identifiers: ClinVar variation 528800 (VCV000528800.7), dbSNP rs116840766, ClinGen allele CA367318510.
Genomic context (GRCh38, chr7:41,965,749, plus strand): 5'-GTCACCGGGCCCGTGGGGCACTTTGCTGTCGTCCGGGAGGGCGCTGGGGAAGTGCTGCTC[G>T]TACCCTGCTTGGTTCTGGGAATTTAAATACTGCACCACGTCGTCCGGCAGGAAATCCTCA-3'